The following is an entry in ClinVar:

NM_003611.2(OFD1):c.-359-?_*253+?dup

Gene: OFD1 (OFD1 centriole and centriolar satellite protein; plus strand).
Variant type: Duplication.
Coding change: c.-359-?_*253+?dup on transcript NM_003611.2.
Identifiers: ClinVar variation 239544 (VCV000239544.1).

ClinVar aggregate classification (germline): Uncertain significance (1 of 4 stars; one submission).

Conditions:
Joubert syndrome. Also called: CEREBELLOPARENCHYMAL DISORDER IV; JOUBERT-BOLTSHAUSER SYNDROME; Familial aplasia of the vermis. Identifiers: Orphanet 475, MedGen C5979921, MONDO:0018772.
Orofaciodigital syndrome I (OFD1). Also called: OFDS I; Oral-Facial-Digital Syndrome Type I; Papillon-Leage and Psaume Syndrome. Identifiers: Orphanet 2750, MedGen C1510460, MONDO:0010702, OMIM 311200.

Submission:

Labcorp Genetics (formerly Invitae), Labcorp
Classification: Uncertain significance for Orofaciodigital syndrome I; Joubert syndrome. Last evaluated: 2016-03-08. Review status: criteria provided, single submitter. Criteria: Invitae Variant Classification Sherloc (09022015). Collection method: clinical testing. Allele origin: germline.
Comment: A gross duplication of the genomic region encompassing the full coding sequence of the OFD1 gene has been identified. This variant has not been reported in the literature. In summary, this is a whole gene duplication with uncertain impact on protein function. It has been classified as a Variant of Uncertain Significance.